The following is an entry in ClinVar:

NM_000478.6(ALPL):c.1399A>G (p.Met467Val)

Gene: ALPL (alkaline phosphatase, biomineralization associated; plus strand). Cytogenetic location: 1p36.12.
Variant type: single nucleotide variant.
Coding change: c.1399A>G on transcript NM_000478.6 (MANE Select); coding-DNA position 1399, A replaced by G.
Protein change: p.Met467Val; replaces methionine 467 with valine.
Molecular consequence: missense variant.
Genome position (GRCh38, 1-based): chr1:21,577,472, A>G. VCF-style: chr1-21577472-A-G. GRCh37 (hg19) VCF-style: chr1-21903965-A-G.
Other names: c.1234A>G, p.Met412Val (NM_001127501.4); c.1168A>G, p.Met390Val (NM_001177520.3); c.1399A>G, p.Met467Val (NM_001369803.2, NM_001369804.2, NM_001369805.2); short protein forms M390V, M412V, M467V.
Identifiers: ClinVar variation 4086901 (VCV004086901.2).

ClinVar aggregate classification (germline): Conflicting classifications of pathogenicity. Review status: criteria provided, conflicting classifications (1 of 4 stars). 3 submissions from 3 submitters: Likely pathogenic (2); Uncertain significance (1). Last evaluated 2025-08-29.

Conditions:
Hypophosphatasia. Also called: Phosphoethanol-aminuria. Identifiers: Orphanet 436, MedGen C0020630, MeSH D007014, MONDO:0018570.
Semidominant ALPL-related disorders.

Submissions (3):

Genomenon, Inc
Classification: Likely pathogenic for Hypophosphatasia. Last evaluated: 2025-08-29. Review status: criteria provided, single submitter. Criteria: Genomenon Sequence Variant Interpretation Standards. Collection method: curation. Allele origin: germline. Affected: yes.
Comment: ALPL p.Met467Val (c.1399A>G) is a missense variant that changes the amino acid at residue 467 from Methionine to Valine. This variant has been observed in at least one proband affected with hypophosphatasia (PMID:37107680). The variant was found to segregate with disease in at least one affected family (PMID:37107680). It is absent or not present at a significant frequency in gnomAD. In silico models agree that this variant is possibly or probably damaging. In conclusion, we classify ALPL p.Met467Val (c.1399A>G) as a likely pathogenic variant.

JKU Lab, Dept of Paediatrics, Johannes Kepler University
Classification: Uncertain significance for Hypophosphatasia. Last evaluated: 2025-08-28. Review status: criteria provided, single submitter. Criteria: ACMG Guidelines, 2015. Collection method: curation. Allele origin: germline.
Comment: This missense variant is not present in GnomAD 4.1 and affects a highly conserved amino acid in the homodimeric interface domain. The variant is predicted to not affect protein function (REVEL score: 0.644). Splice-prediction algorithms predict no effect on splicing. This variant has been reported in the literature in individuals affected with ALPL-related conditions (PMID:37107680).

Variantyx, Inc.
Classification: Likely pathogenic for Semidominant ALPL-related disorders. Last evaluated: 2025-08-25. Review status: criteria provided, single submitter. Criteria: Variantyx Assertion Criteria 2022. Collection method: clinical testing. Allele origin: germline. Inheritance: Semidominant inheritance.
Comment: This is a nonsynonymous variant in the ALPL gene (OMIM: 171760). Pathogenic variants in this gene have been associated with autosomal semidominant hypophosphatasia. This variant has been reported in at least one unrelated affected individual (PMID: 37107680) (PS4_Moderate). This variant lies within a known hotspot for pathogenic variants or a well-established critical functional domain of the ALPL protein (PM1). Multiple computational algorithms predict a deleterious effect for this variant (REVEL score: 0.644) (PP3). This variant is absent from control populations (PM2_Supporting). Based on the current evidence, this variant is classified as likely pathogenic for autosomal semidominant hypophosphatasia.

Literature cited by the submitters: PubMed 37107680 (cited by 3 submitters).